The following is an entry in ClinVar:

ClinVar aggregate classification (germline): Pathogenic/Likely pathogenic. Review status: criteria provided, multiple submitters, no conflicts (2 of 4 stars). 5 submissions from 5 submitters: Pathogenic (2); Likely pathogenic (3). Last evaluated 2024-11-27.

Conditions:
Cystic fibrosis (CF). Also called: MUCOVISCIDOSIS. Identifiers: Orphanet 586, MedGen C0010674, MONDO:0009061, OMIM 219700. Disease mechanism: loss of function.
Bronchiectasis with or without elevated sweat chloride 1 (BESC1). Also called: Cystic Fibrosis-Like Syndrome. Identifiers: Orphanet 60033, MedGen C2749757, MONDO:0008887, OMIM 211400.
CFTR-related disorder (CFTR-RD). Also called: CFTR-related disorders; CFTR-related condition. Identifiers: MedGen C5924204, MONDO:7770004.

Submissions (5):

Natera, Inc.
Classification: Likely pathogenic for CFTR-related disorders. Last evaluated: 2024-11-27. Review status: criteria provided, single submitter. Criteria: Natera Variant Classification Schema (03/2026). Collection method: clinical testing. Allele origin: germline.
Comment: The c.4136+1G>A variant in CFTR is a canonical splice donor site variant predicted to affect pre-mRNA splicing, which may result in an abnormal transcript and altered protein product. This variant is expected to result in nonsense mediated decay, truncation, or a dysfunctional protein product. This variant is rare in the general population with a frequency below the threshold expected for the associated phenotype(s). Given the available evidence, this variant is classified as Likely Pathogenic.

Baylor Genetics
Classification: Pathogenic for Bronchiectasis with or without elevated sweat chloride 1. Last evaluated: 2024-03-26. Review status: criteria provided, single submitter. Criteria: ACMG Guidelines, 2015. Collection method: clinical testing. Allele origin: unknown.

Labcorp Genetics (formerly Invitae), Labcorp
Classification: Likely pathogenic for Cystic fibrosis. Last evaluated: 2023-08-19. Review status: criteria provided, single submitter. Criteria: Invitae Variant Classification Sherloc (09022015). Collection method: clinical testing. Allele origin: germline.
Comment: This sequence change affects a donor splice site in intron 25 of the CFTR gene. It is expected to disrupt RNA splicing. Variants that disrupt the donor or acceptor splice site typically lead to a loss of protein function (PMID: 16199547), and loss-of-function variants in CFTR are known to be pathogenic (PMID: 1695717, 7691345, 9725922). This variant is not present in population databases (gnomAD no frequency). Disruption of this splice site has been observed in individual(s) with cystic fibrosis (PMID: 15025720, 26656651). This variant is also known as IVS22+1G>A. ClinVar contains an entry for this variant (Variation ID: 618912). Algorithms developed to predict the effect of sequence changes on RNA splicing suggest that this variant may disrupt the consensus splice site. In summary, the currently available evidence indicates that the variant is pathogenic, but additional data are needed to prove that conclusively. Therefore, this variant has been classified as Likely Pathogenic.

Women's Health and Genetics/Laboratory Corporation of America, LabCorp
Classification: Likely pathogenic for Cystic fibrosis. Last evaluated: 2020-12-11. Review status: criteria provided, single submitter. Criteria: LabCorp Variant Classification Summary - May 2015. Collection method: clinical testing. Allele origin: germline.
Comment: Variant summary: CFTR c.4136+1G>A is located in a canonical splice-site and is predicted to affect mRNA splicing resulting in a significantly altered protein due to either exon skipping, shortening, or inclusion of intronic material. Several computational tools predict a significant impact on normal splicing: Three predict that the variant abolishes a 5-prime splicing donor site. However, these predictions have yet to be confirmed by functional studies. The variant was absent in 251168 control chromosomes (gnomAD). c.4136+1G>A has been reported in the literature as homozygous in at least one individual affected with Cystic Fibrosis (e.g. Feuillet-Fieux_2004) . These data indicate that the variant may be associated with disease. To our knowledge, no experimental evidence demonstrating an impact on protein function has been reported. One other clinical diagnostic laboratory has submitted clinical-significance assessments for this variant to ClinVar after 2014 without evidence for independent evaluation, citing the variant as pathogenic. Based on the evidence outlined above, the variant was classified as likely pathogenic.

Mendelics
Classification: Pathogenic for Cystic fibrosis. Last evaluated: 2018-11-05. Review status: criteria provided, single submitter. Criteria: Mendelics Assertion Criteria 2017. Collection method: clinical testing. Allele origin: unknown. Affected: yes.

Literature cited by the submitters: PubMed 16199547 (cited by Labcorp Genetics (formerly Invitae), Labcorp); PubMed 1695717 (cited by Labcorp Genetics (formerly Invitae), Labcorp); PubMed 7691345 (cited by Labcorp Genetics (formerly Invitae), Labcorp); PubMed 9725922 (cited by Labcorp Genetics (formerly Invitae), Labcorp); PubMed 15025720 (cited by Labcorp Genetics (formerly Invitae), Labcorp and Women's Health and Genetics/Laboratory Corporation of America, LabCorp); PubMed 26656651 (cited by Labcorp Genetics (formerly Invitae), Labcorp and Women's Health and Genetics/Laboratory Corporation of America, LabCorp); PubMed 19625487 (cited by Women's Health and Genetics/Laboratory Corporation of America, LabCorp).

NM_000492.4(CFTR):c.4136+1G>A

Gene: CFTR (CF transmembrane conductance regulator; plus strand). Cytogenetic location: 7q31.2.
Variant type: single nucleotide variant.
Coding change: c.4136+1G>A on transcript NM_000492.4 (MANE Select); the canonical splice donor site of the intron after coding-DNA position 4136, G replaced by A.
Molecular consequence: splice donor variant.
Genome position (GRCh38, 1-based): chr7:117,664,861, G>A. VCF-style: chr7-117664861-G-A. GRCh37 (hg19) VCF-style: chr7-117304915-G-A.
Identifiers: ClinVar variation 618912 (VCV000618912.8), dbSNP rs1562928997, ClinGen allele CA368983181.